The following is an entry in ClinVar:

ClinVar aggregate classification (germline): Uncertain significance. Review status: criteria provided, multiple submitters, no conflicts (2 of 4 stars). 4 submissions from 4 submitters: Uncertain significance (4). Last evaluated 2025-12-10.

Conditions:
Inborn genetic diseases. Identifiers: MedGen C0950123, MeSH D030342.
Intestinal hypomagnesemia 1. Also called: HYPOMAGNESEMIA, INTESTINAL, WITH SECONDARY HYPOCALCEMIA; HYPOMAGNESEMIC TETANY. Identifiers: Orphanet 30924, MedGen C1865974, MONDO:0011176, OMIM 602014.

Allele frequency attached by ClinVar (database versions not stated): gnomAD exomes below 0.00001 and 0.00001; ExAC 0.00001; gnomAD 0.00001; TOPMed 0.00001.
gnomAD v4.1: 6 of 1,613,986 alleles (0.00037%); highest among the groups gnomAD compares: Admixed American, 0.0033%; no homozygotes.

Submissions (4):

Ambry Genetics
Classification: Uncertain significance for Inborn genetic diseases. Last evaluated: 2025-12-10. Review status: criteria provided, single submitter. Criteria: Ambry Variant Classification Scheme 2023. Collection method: clinical testing. Allele origin: germline.

Labcorp Genetics (formerly Invitae), Labcorp
Classification: Uncertain significance. Last evaluated: 2023-03-23. Review status: criteria provided, single submitter. Criteria: Invitae Variant Classification Sherloc (09022015). Collection method: clinical testing. Allele origin: germline.
Comment: In summary, the available evidence is currently insufficient to determine the role of this variant in disease. Therefore, it has been classified as a Variant of Uncertain Significance. An algorithm developed to predict the effect of missense changes on protein structure and function (PolyPhen-2) suggests that this variant is likely to be disruptive. ClinVar contains an entry for this variant (Variation ID: 872021). This variant has not been reported in the literature in individuals affected with TRPM6-related conditions. This variant is present in population databases (rs771049990, gnomAD 0.002%). This sequence change replaces lysine, which is basic and polar, with asparagine, which is neutral and polar, at codon 1877 of the TRPM6 protein (p.Lys1877Asn).

Fulgent Genetics
Classification: Uncertain significance for Intestinal hypomagnesemia 1. Last evaluated: 2022-04-27. Review status: criteria provided, single submitter. Criteria: ACMG Guidelines, 2015. Collection method: clinical testing. Allele origin: unknown.

CeGaT Center for Human Genetics Tuebingen
Classification: Uncertain significance. Last evaluated: 2019-07-01. Review status: criteria provided, single submitter. Criteria: CeGaT Center For Human Genetics Tuebingen Variant Classification Criteria Version 2. Collection method: clinical testing. Allele origin: germline. Affected: yes. Observed: 1 variant allele.

NM_017662.5(TRPM6):c.5631G>C (p.Lys1877Asn)

Gene: TRPM6 (transient receptor potential cation channel subfamily M member 6; minus strand). Cytogenetic location: 9q21.13.
Variant type: single nucleotide variant.
Coding change: c.5631G>C on transcript NM_017662.5 (MANE Select); coding-DNA position 5631, G replaced by C.
Protein change: p.Lys1877Asn; replaces lysine 1877 with asparagine.
Molecular consequence: missense variant.
Genome position (GRCh38, 1-based): chr9:74,738,552, C>G on the plus strand (G>C on the coding strand, the complement: TRPM6 is on the minus strand). VCF-style: chr9-74738552-C-G. GRCh37 (hg19) VCF-style: chr9-77353468-C-G.
Other names: c.5631G>C (NM_017662.4); c.5616G>C, p.Lys1872Asn (NM_001177310.2, NM_001177311.2); short protein forms K1877N, K1872N.
Identifiers: ClinVar variation 872021 (VCV000872021.48), dbSNP rs771049990, ClinGen allele CA5083733.